The following is an entry in ClinVar:

ClinVar aggregate classification (germline): Conflicting classifications of pathogenicity. Review status: criteria provided, conflicting classifications (1 of 4 stars). 4 submissions from 4 submitters: Uncertain significance (3); Benign (1). Last evaluated 2025-09-27.

Conditions:
Cardiovascular phenotype. Identifiers: MedGen CN230736.
Cardiac arrhythmia. Also called: Arrhythmia; Cardiac rhythm disease. Identifiers: MedGen C0003811, MONDO:0007263, HP:0011675.
Long QT syndrome (LQTS). Identifiers: MedGen C0023976, MeSH D008133, MONDO:0002442. Disease mechanism: loss of function. Inheritance: Various modes of inheritance.

Allele frequency attached by ClinVar (database versions not stated): ExAC 0.00001; gnomAD exomes 0.00001 and 0.00003; TOPMed 0.00002; gnomAD 0.00005 and 0.00006; 1000 Genomes Project 30x 0.00016; 1000 Genomes Project 0.00020.
gnomAD v4.1: 55 of 1,612,262 alleles (0.0034%); highest among the groups gnomAD compares: Middle Eastern, 0.033%; no homozygotes.

Submissions (4):

Labcorp Genetics (formerly Invitae), Labcorp
Classification: Uncertain significance for Long QT syndrome. Last evaluated: 2025-09-27. Review status: criteria provided, single submitter. Criteria: Invitae Variant Classification Sherloc (09022015). Collection method: clinical testing. Allele origin: germline.
Comment: This sequence change falls in intron 8 of the KCNQ1 gene. It does not directly change the encoded amino acid sequence of the KCNQ1 protein. It affects a nucleotide within the consensus splice site. The frequency data for this variant in the population databases is considered unreliable, as metrics indicate poor data quality at this position in the gnomAD database. This variant has not been reported in the literature in individuals affected with KCNQ1-related conditions. ClinVar contains an entry for this variant (Variation ID: 138002). Variants that disrupt the consensus splice site are a relatively common cause of aberrant splicing (PMID: 17576681, 9536098). Algorithms developed to predict the effect of sequence changes on RNA splicing suggest that this variant may disrupt the consensus splice site. In summary, the available evidence is currently insufficient to determine the role of this variant in disease. Therefore, it has been classified as a Variant of Uncertain Significance.

Color Diagnostics, LLC DBA Color Health
Classification: Uncertain significance for Cardiac arrhythmia. Last evaluated: 2024-04-16. Review status: criteria provided, single submitter. Criteria: ACMG Guidelines, 2015. Collection method: clinical testing. Allele origin: germline.
Comment: This variant causes a C to T nucleotide substitution at the +4 position of intron 8 of the KCNQ1 gene. To our knowledge, functional studies have not been reported for this variant. This variant has not been reported in individuals affected with KCNQ1-related disorders in the literature. This variant has been identified in 2/250810 chromosomes in the general population by the Genome Aggregation Database (gnomAD). The available evidence is insufficient to determine the role of this variant in disease conclusively. Therefore, this variant is classified as a Variant of Uncertain Significance.

Ambry Genetics
Classification: Uncertain significance for Cardiovascular phenotype. Last evaluated: 2023-03-07. Review status: criteria provided, single submitter. Criteria: Ambry General Variant Classification Scheme_2022. Collection method: clinical testing. Allele origin: germline.
Comment: The c.1128+4C>T intronic variant results from a C to T substitution 4 nucleotides after coding exon 8 in the KCNQ1 gene. This nucleotide position is conserved on limited sequence alignment. In silico splice site analysis for this alteration is inconclusive. Since supporting evidence is limited at this time, the clinical significance of this alteration remains unclear.

GeneDx
Classification: Benign. Last evaluated: 2012-03-27. Review status: criteria provided, single submitter. Criteria: GeneDx Variant Classification (06012015). Collection method: clinical testing. Allele origin: germline. Affected: yes.
Comment: This variant is considered likely benign or benign based on one or more of the following criteria: it is a conservative change, it occurs at a poorly conserved position in the protein, it is predicted to be benign by multiple in silico algorithms, and/or has population frequency not consistent with disease.

Literature cited by the submitters: PubMed 17576681 (cited by Labcorp Genetics (formerly Invitae), Labcorp); PubMed 9536098 (cited by Labcorp Genetics (formerly Invitae), Labcorp).

NM_000218.3(KCNQ1):c.1128+4C>T

Gene: KCNQ1 (potassium voltage-gated channel subfamily Q member 1; plus strand). Cytogenetic location: 11p15.5.
Variant type: single nucleotide variant.
Coding change: c.1128+4C>T on transcript NM_000218.3 (MANE Select); 4 bases into the intron after coding-DNA position 1128, C replaced by T.
Molecular consequence: intron variant.
Genome position (GRCh38, 1-based): chr11:2,585,311, C>T. VCF-style: chr11-2585311-C-T. GRCh37 (hg19) VCF-style: chr11-2606541-C-T.
Other names: c.858+4C>T (NM_001406837.1); c.1032+1766C>T (NM_001406836.1); c.588+1766C>T (NM_001406838.1); c.747+4C>T (NM_181798.2).
Identifiers: ClinVar variation 138002 (VCV000138002.19), dbSNP rs201590918, ClinGen allele CA005362.